The following is an entry in ClinVar:

NM_017999.5(RNF31):c.74C>G (p.Ser25Cys)

Gene: RNF31 (ring finger protein 31; plus strand). Cytogenetic location: 14q12.
Variant type: single nucleotide variant.
Coding change: c.74C>G on transcript NM_017999.5 (MANE Select); coding-DNA position 74, C replaced by G.
Protein change: p.Ser25Cys; replaces serine 25 with cysteine.
Molecular consequence: missense variant. On other transcripts: intron variant (1).
Genome position (GRCh38, 1-based): chr14:24,147,772, C>G. VCF-style: chr14-24147772-C-G. GRCh37 (hg19) VCF-style: chr14-24616981-C-G.
Other names: c.-325-204C>G (NM_001310332.2); short protein forms S25C.
Identifiers: ClinVar variation 2977273 (VCV002977273.3), dbSNP rs2038191944, ClinGen allele CA389283846.

ClinVar aggregate classification (germline): Uncertain significance (1 of 4 stars; one submission).

Allele frequency attached by ClinVar (database versions not stated): TOPMed below 0.00001.

Submission:

Labcorp Genetics (formerly Invitae), Labcorp
Classification: Uncertain significance. Last evaluated: 2023-06-14. Review status: criteria provided, single submitter. Criteria: Invitae Variant Classification Sherloc (09022015). Collection method: clinical testing. Allele origin: germline.
Comment: This sequence change replaces serine, which is neutral and polar, with cysteine, which is neutral and slightly polar, at codon 25 of the RNF31 protein (p.Ser25Cys). This variant is not present in population databases (gnomAD no frequency). This variant has not been reported in the literature in individuals affected with RNF31-related conditions. An algorithm developed to predict the effect of missense changes on protein structure and function (PolyPhen-2) suggests that this variant is likely to be tolerated. In summary, the available evidence is currently insufficient to determine the role of this variant in disease. Therefore, it has been classified as a Variant of Uncertain Significance.